The following is an entry in ClinVar:

ClinVar aggregate classification (germline): Uncertain significance. Review status: criteria provided, multiple submitters, no conflicts (2 of 4 stars). 3 submissions from 3 submitters: Uncertain significance (3). Last evaluated 2026-02-10.

Conditions:
Hereditary cancer-predisposing syndrome. Also called: Tumor predisposition; Hereditary Cancer Syndrome; Hereditary neoplastic syndrome; Neoplastic Syndromes, Hereditary. Identifiers: Orphanet 140162, MedGen C0027672, MeSH D009386, MONDO:0015356.
Familial melanoma. Also called: Hereditary melanoma; Hereditary cutaneous melanoma. Identifiers: Orphanet 618, MedGen C1512419, MONDO:0018961.

Submissions (3):

Ambry Genetics
Classification: Uncertain significance for Hereditary cancer-predisposing syndrome. Last evaluated: 2026-02-10. Review status: criteria provided, single submitter. Criteria: Ambry Variant Classification Scheme 2023. Collection method: clinical testing. Allele origin: germline.
Comment: The c.253_254delGCinsTT variant, located in coding exon 2 of the CDKN2A gene, results from an in-frame deletion of GC and insertion of TT at nucleotide positions 253 to 254. This results in the substitution of the alanine residue for a phenylalanine residue at codon 85, an amino acid with dissimilar properties. This variant was reported in individual(s) with features consistent with melanoma-pancreatic cancer syndrome (Ambry internal data). This amino acid position is highly conserved in available vertebrate species. Of note, this alteration is also known as c.296_297delinsTT (p.A85F) in the p14(ARF) isoform. Since supporting evidence is limited at this time, the clinical significance of this alteration remains unclear.

Labcorp Genetics (formerly Invitae), Labcorp
Classification: Uncertain significance for Familial melanoma. Last evaluated: 2021-06-22. Review status: criteria provided, single submitter. Criteria: Invitae Variant Classification Sherloc (09022015). Collection method: clinical testing. Allele origin: germline.
Comment: Algorithms developed to predict the effect of missense changes on protein structure and function (SIFT, PolyPhen-2, Align-GVGD) all suggest that the p.Ala85Phe variant in p16INK4a is likely to be disruptive. The same algorithms are either unavailable or do not agree on the potential impact of the p.Arg99Leu variant in p14ARF (SIFT: "Deleterious"; PolyPhen-2: "Not Available"; Align-GVGD: "Class C65"). These predictions have not been confirmed by published functional studies and their clinical significance is uncertain. This variant has not been reported in the literature in individuals with CDKN2A-related conditions. ClinVar contains an entry for this variant (Variation ID: 423274). This variant is not present in population databases (ExAC no frequency). This sequence change replaces alanine with phenylalanine at codon 85 of the CDKN2A (p16INK4a) protein (p.Ala85Phe). The alanine residue is highly conserved and there is a moderate physicochemical difference between alanine and phenylalanine. Alternatively, this sequence change replaces arginine with leucine at codon 99 of the CDKN2A (p14ARF) protein (p.Arg99Leu). The arginine residue is highly conserved and there is a moderate physicochemical difference between arginine and leucine. The CDKN2A gene encodes two different proteins, p16INK4a and p14ARF, which are translated from alternative transcripts that have different open reading frames. In summary, the available evidence is currently insufficient to determine the role of this variant in disease. Therefore, it has been classified as a Variant of Uncertain Significance.

GeneDx
Classification: Uncertain significance. Last evaluated: 2017-01-31. Review status: criteria provided, single submitter. Criteria: GeneDx Variant Classification (06012015). Collection method: clinical testing. Allele origin: germline. Affected: yes.
Comment: This variant is denoted CDKN2A c.253_254delGCinsTT at the cDNA level, p.Ala85Phe (A85F) at the protein level. The normal sequence, with the bases that are altered in brackets, is CGAC[delGC][insTT]TGCC. This in frame deletion and insertion occurs on the same allele (in cis) and results in the missense change of an Alanine to a Phenylalanine (GCT>TTT). This variant has not, to our knowledge, been published in the literature as pathogenic or benign. CDKN2A Ala85Phe was not observed in approximately 6,500 individuals of European and African American ancestry in the NHLBI Exome Sequencing Project, suggesting it is not a common benign variant in these populations. Since Alanine and Phenylalanine differ in some properties, this is considered a semi-conservative amino acid substitution. CDKN2A Ala85Phe occurs at a position that is conserved and is located within the ANK 3 repeat domain (UniProt). In silico analyses predict that this variant is probably damaging to protein structure and function. Based on currently available evidence, it is unclear whether CDKN2A Ala85Phe is a pathogenic or benign variant. We consider it to be a variant of uncertain significance.

NM_000077.5(CDKN2A):c.253_254delinsTT (p.Ala85Phe)

Gene: CDKN2A (cyclin dependent kinase inhibitor 2A; minus strand). Cytogenetic location: 9p21.3.
Variant type: Indel.
Coding change: c.253_254delinsTT on transcript NM_000077.5; coding-DNA positions 253 to 254, GC replaced by TT.
Protein change: p.Ala85Phe; replaces alanine 85 with phenylalanine.
Molecular consequence: missense variant (on NM_000077.4). On other transcripts: 3 prime UTR variant (1).
Genome position (GRCh38, 1-based): chr9:21,971,105-21,971,106, GC replaced by AA on the plus strand (GC replaced by TT on the coding strand, the reverse complement: CDKN2A is on the minus strand). VCF-style: chr9-21971105-GC-AA. GRCh37 (hg19) VCF-style: chr9-21971104-GC-AA.
Other names: c.253_254delGCinsTT, p.Ala85Phe (NM_000077.4, NM_000077.6); c.253_254delinsTT, p.Ala85Phe (NM_001195132.2); c.100_101delinsTT, p.Ala34Phe (NM_001363763.2); c.296_297delinsTT, p.Arg99Leu (NM_058195.4); c.*176_*177delinsTT (NM_058197.5); short protein forms A34F, A85F, R99L.
Identifiers: ClinVar variation 423274 (VCV000423274.15), dbSNP rs1064796336, ClinGen allele CA16618829.